The following is an entry in ClinVar:

NM_001164277.2(SLC37A4):c.53T>C (p.Phe18Ser)

Gene: SLC37A4 (solute carrier family 37 member 4; minus strand). Cytogenetic location: 11q23.3.
Variant type: single nucleotide variant.
Coding change: c.53T>C on transcript NM_001164277.2 (MANE Select); coding-DNA position 53, T replaced by C.
Protein change: p.Phe18Ser; replaces phenylalanine 18 with serine.
Molecular consequence: missense variant. On other transcripts: intron variant (1).
Genome position (GRCh38, 1-based): chr11:119,029,317, A>G on the plus strand (T>C on the coding strand, the complement: SLC37A4 is on the minus strand). VCF-style: chr11-119029317-A-G. GRCh37 (hg19) VCF-style: chr11-118900027-A-G.
Other names: c.53T>C, p.Phe18Ser (NM_001164278.2, NM_001164280.2, NM_001467.6); c.-172+75T>C (NM_001164279.2); short protein forms F18S.
Identifiers: ClinVar variation 2739906 (VCV002739906.3), dbSNP rs560764004, ClinGen allele CA6311925.

ClinVar aggregate classification (germline): Uncertain significance (1 of 4 stars; one submission).

Conditions:
Glucose-6-phosphate transport defect (GSD1B). Also called: Glycogen Storage Disease Type Ib; GSD Ib. Identifiers: Orphanet 364, Orphanet 79259, MedGen C0268146, MONDO:0009288, OMIM 232220.

Allele frequency attached by ClinVar (database versions not stated): gnomAD exomes below 0.00001; TOPMed 0.00002; ExAC 0.00003; gnomAD 0.00003; 1000 Genomes Project 30x 0.00047; 1000 Genomes Project 0.00060.

Submission:

Labcorp Genetics (formerly Invitae), Labcorp
Classification: Uncertain significance for Glucose-6-phosphate transport defect. Last evaluated: 2026-01-13. Review status: criteria provided, single submitter. Criteria: Invitae Variant Classification Sherloc (09022015). Collection method: clinical testing. Allele origin: germline.
Comment: This sequence change replaces phenylalanine, which is neutral and non-polar, with serine, which is neutral and polar, at codon 18 of the SLC37A4 protein (p.Phe18Ser). This variant is present in population databases (rs560764004, gnomAD 0.03%). This variant has not been reported in the literature in individuals affected with SLC37A4-related conditions. ClinVar contains an entry for this variant (Variation ID: 2739906). Invitae Evidence Modeling of protein sequence and biophysical properties (such as structural, functional, and spatial information, amino acid conservation, physicochemical variation, residue mobility, and thermodynamic stability) has been performed for this missense variant. However, the output from this modeling did not meet the statistical confidence thresholds required to predict the impact of this variant on SLC37A4 protein function. In summary, the available evidence is currently insufficient to determine the role of this variant in disease. Therefore, it has been classified as a Variant of Uncertain Significance.